The following is an entry in ClinVar:

NM_004260.4(RECQL4):c.286C>A (p.Arg96=)

Gene: RECQL4 (RecQ like helicase 4; minus strand). Cytogenetic location: 8q24.3.
Variant type: single nucleotide variant.
Coding change: c.286C>A on transcript NM_004260.4 (MANE Select); coding-DNA position 286, C replaced by A.
Protein change: p.Arg96=; no amino-acid change (arginine 96 retained).
Molecular consequence: synonymous variant.
Genome position (GRCh38, 1-based): chr8:144,517,118, G>T on the plus strand (C>A on the coding strand, the complement: RECQL4 is on the minus strand). VCF-style: chr8-144517118-G-T. GRCh37 (hg19) VCF-style: chr8-145742502-G-T.
Identifiers: ClinVar variation 239749 (VCV000239749.38), dbSNP rs375568877, ClinGen allele CA4949399.

ClinVar aggregate classification (germline): Likely benign. Review status: criteria provided, multiple submitters, no conflicts (2 of 4 stars). 5 submissions from 5 submitters: Likely benign (4). 1 of the submissions does not count toward it. Last evaluated 2026-01-19.

Conditions:
RECQL4-related disorder. Also called: RECQL4-related disorders; RECQL4-related condition.
Inborn genetic diseases. Identifiers: MedGen C0950123, MeSH D030342.
Hereditary cancer-predisposing syndrome. Also called: Tumor predisposition; Hereditary Cancer Syndrome; Neoplastic Syndromes, Hereditary; Hereditary neoplastic syndrome. Identifiers: Orphanet 140162, MedGen C0027672, MeSH D009386, MONDO:0015356.
Baller-Gerold syndrome (BGS). Also called: CRANIOSYNOSTOSIS WITH RADIAL DEFECTS. Identifiers: Orphanet 1225, MedGen C0265308, MONDO:0009039, OMIM 218600.

Allele frequency attached by ClinVar (database versions not stated): gnomAD exomes 0.00009; ExAC 0.00015; ESP Exome Variant Server 0.00041; gnomAD 0.00041 and 0.00043; TOPMed 0.00047; 1000 Genomes Project 0.00060; 1000 Genomes Project 30x 0.00062.

Submissions (5):

Labcorp Genetics (formerly Invitae), Labcorp
Classification: Likely benign for Baller-Gerold syndrome. Last evaluated: 2026-01-19. Review status: criteria provided, single submitter. Criteria: Invitae Variant Classification Sherloc (09022015). Collection method: clinical testing. Allele origin: germline.

Ambry Genetics
Classification: Likely benign for Inborn genetic diseases. Last evaluated: 2024-10-15. Review status: criteria provided, single submitter. Criteria: Ambry Variant Classification Scheme 2023. Collection method: clinical testing. Allele origin: germline.

CeGaT Center for Human Genetics Tuebingen
Classification: Likely benign. Last evaluated: 2023-12-01. Review status: criteria provided, single submitter. Criteria: CeGaT Center For Human Genetics Tuebingen Variant Classification Criteria Version 2. Collection method: clinical testing. Allele origin: germline. Affected: yes. Observed: 2 variant alleles.
Comment: RECQL4: BP4, BP7

Sema4
Classification: Likely benign for Hereditary cancer-predisposing syndrome. Last evaluated: 2021-04-15. Review status: criteria provided, single submitter. Criteria: Sema4 Curation Guidelines. Collection method: curation. Allele origin: germline.

PreventionGenetics, part of Exact Sciences
Classification: Likely benign for RECQL4-related condition. Last evaluated: 2022-11-16. Review status: no assertion criteria provided. Collection method: clinical testing. Allele origin: germline. Not counted in ClinVar's aggregate classification.
Comment: This variant is classified as likely benign based on ACMG/AMP sequence variant interpretation guidelines (Richards et al. 2015 PMID: 25741868, with internal and published modifications).